The following is an entry in ClinVar:

ClinVar aggregate classification (germline): Benign (1 of 4 stars; one submission).

Conditions:
Geroderma osteodysplastica (GO). Also called: WALT DISNEY DWARFISM; Geroderma osteodysplasticum. Identifiers: Orphanet 2078, MedGen C0432255, MONDO:0009271, OMIM 231070.

Allele frequency attached by ClinVar (database versions not stated): gnomAD exomes 0.00912 and 0.01791; ExAC 0.01568; gnomAD 0.05330 and 0.05681; TOPMed 0.05945; 1000 Genomes Project 0.06330; 1000 Genomes Project 30x 0.06761.
gnomAD v4.1: 10,604 of 424,340 alleles (2.5%); highest among the groups gnomAD compares: African/African-American, 17%; 689 homozygotes.

Submission:

Illumina Laboratory Services, Illumina
Classification: Benign for Geroderma osteodysplastica. Last evaluated: 2018-01-13. Review status: criteria provided, single submitter. Criteria: ICSL Variant Classification Criteria 13 December 2019. Collection method: clinical testing. Allele origin: germline.
Comment: This variant was observed in the ICSL laboratory as part of a predisposition screen in an ostensibly healthy population. It had not been previously curated by ICSL or reported in the Human Gene Mutation Database (HGMD: prior to June 1st, 2018), and was therefore a candidate for classification through an automated scoring system. Utilizing variant allele frequency, disease prevalence and penetrance estimates, and inheritance mode, an automated score was calculated to assess if this variant is too frequent to cause the disease. Based on the score and internal cut-off values, a variant classified as benign is not then subjected to further curation. The score for this variant resulted in a classification of benign for this disease.

NM_152281.3(GORAB):c.*1065A>T

Gene: GORAB (golgin, RAB6 interacting; plus strand). Cytogenetic location: 1q24.2.
Variant type: single nucleotide variant.
Coding change: c.*1065A>T on transcript NM_152281.3 (MANE Select); 1065 bases downstream of the stop codon, A replaced by T.
Molecular consequence: 3 prime UTR variant. On other transcripts: non-coding transcript variant (1).
Genome position (GRCh38, 1-based): chr1:170,553,527, A>T. VCF-style: chr1-170553527-A-T. GRCh37 (hg19) VCF-style: chr1-170522668-A-T.
Other names: c.*1065A>T (NM_001320252.2).
Identifiers: ClinVar variation 293680 (VCV000293680.5), dbSNP rs12063774, ClinGen allele CA1239382.